The following is an entry in ClinVar:

NM_004820.5(CYP7B1):c.1123G>A (p.Asp375Asn)

Gene: CYP7B1 (cytochrome P450 family 7 subfamily B member 1; minus strand). Cytogenetic location: 8q12.3.
Variant type: single nucleotide variant.
Coding change: c.1123G>A on transcript NM_004820.5 (MANE Select); coding-DNA position 1123, G replaced by A.
Protein change: p.Asp375Asn; replaces aspartic acid 375 with asparagine.
Molecular consequence: missense variant.
Genome position (GRCh38, 1-based): chr8:64,604,792, C>T on the plus strand (G>A on the coding strand, the complement: CYP7B1 is on the minus strand). VCF-style: chr8-64604792-C-T. GRCh37 (hg19) VCF-style: chr8-65517349-C-T.
Other names: c.1123G>A, p.Asp375Asn (NM_001324112.2); short protein forms D375N.
Identifiers: ClinVar variation 4998396 (VCV004998396.1).

ClinVar aggregate classification (germline): Uncertain significance (1 of 4 stars; one submission).

Conditions:
CYP7B1-related disorder. Also called: CYP7B1-related condition.

Submission:

PreventionGenetics, part of Exact Sciences
Classification: Uncertain significance for CYP7B1-related condition. Last evaluated: 2024-11-19. Review status: criteria provided, single submitter. Criteria: ACMG Guidelines, 2015. Collection method: clinical testing. Allele origin: germline.
Comment: The CYP7B1 c.1123G>A variant is predicted to result in the amino acid substitution p.Asp375Asn. To our knowledge, this variant has not been reported in the literature or in a large population database (gnomAD), indicating this variant is rare. At this time, the clinical significance of this variant is uncertain due to the absence of conclusive functional and genetic evidence.